The following is an entry in ClinVar:

ClinVar aggregate classification (germline): Uncertain significance. Review status: criteria provided, multiple submitters, no conflicts (2 of 4 stars). 2 submissions from 2 submitters: Uncertain significance (2). Last evaluated 2024-11-28.

Conditions:
Gastrointestinal stromal tumor. Also called: Gastrointestinal stroma tumor; Gastrointestinal stromal tumor, somatic. Identifiers: Orphanet 44890, MedGen C0238198, MeSH D046152, MONDO:0011719, OMIM 606764, HP:0100723.
Hereditary cancer-predisposing syndrome. Also called: Hereditary neoplastic syndrome; Neoplastic Syndromes, Hereditary; Hereditary Cancer Syndrome; Tumor predisposition. Identifiers: Orphanet 140162, MedGen C0027672, MeSH D009386, MONDO:0015356.

gnomAD v4.1: 1 of 1,613,692 alleles (0.000062%); highest among the groups gnomAD compares: Non-Finnish European, 0.000085%; no homozygotes.

Submissions (2):

Ambry Genetics
Classification: Uncertain significance for Hereditary cancer-predisposing syndrome. Last evaluated: 2024-11-28. Review status: criteria provided, single submitter. Criteria: Ambry Variant Classification Scheme 2023. Collection method: clinical testing. Allele origin: germline.
Comment: The p.R764S variant (also known as c.2290C>A), located in coding exon 15 of the PDGFRA gene, results from a C to A substitution at nucleotide position 2290. The arginine at codon 764 is replaced by serine, an amino acid with dissimilar properties. This amino acid position is conserved. In addition, the in silico prediction for this alteration is inconclusive. Based on the available evidence, the clinical significance of this variant remains unclear.

Labcorp Genetics (formerly Invitae), Labcorp
Classification: Uncertain significance for Gastrointestinal stromal tumor. Last evaluated: 2022-08-02. Review status: criteria provided, single submitter. Criteria: Invitae Variant Classification Sherloc (09022015). Collection method: clinical testing. Allele origin: germline.
Comment: This variant has not been reported in the literature in individuals affected with PDGFRA-related conditions. In summary, the available evidence is currently insufficient to determine the role of this variant in disease. Therefore, it has been classified as a Variant of Uncertain Significance. Algorithms developed to predict the effect of sequence changes on RNA splicing suggest that this variant may disrupt the consensus splice site. Algorithms developed to predict the effect of missense changes on protein structure and function (SIFT, PolyPhen-2, Align-GVGD) all suggest that this variant is likely to be disruptive. This variant is not present in population databases (gnomAD no frequency). This sequence change replaces arginine, which is basic and polar, with serine, which is neutral and polar, at codon 764 of the PDGFRA protein (p.Arg764Ser).

NM_006206.6(PDGFRA):c.2290C>A (p.Arg764Ser)

Gene: PDGFRA (platelet derived growth factor receptor alpha; plus strand). Cytogenetic location: 4q12.
Variant type: single nucleotide variant.
Coding change: c.2290C>A on transcript NM_006206.6 (MANE Select); coding-DNA position 2290, C replaced by A.
Protein change: p.Arg764Ser; replaces arginine 764 with serine.
Molecular consequence: missense variant.
Genome position (GRCh38, 1-based): chr4:54,280,449, C>A. VCF-style: chr4-54280449-C-A. GRCh37 (hg19) VCF-style: chr4-55146616-C-A.
Other names: c.2290C>A, p.Arg764Ser (NM_001347827.2, NM_001347829.2); c.2365C>A, p.Arg789Ser (NM_001347828.2); c.2329C>A, p.Arg777Ser (NM_001347830.2); short protein forms R777S, R789S, R764S.
Identifiers: ClinVar variation 2078887 (VCV002078887.5), dbSNP rs34392012, ClinGen allele CA356894489.